The following is an entry in ClinVar:

NM_016239.4(MYO15A):c.6796G>A (p.Val2266Met)

Gene: MYO15A (myosin XVA; plus strand). Cytogenetic location: 17p11.2.
Variant type: single nucleotide variant.
Coding change: c.6796G>A on transcript NM_016239.4 (MANE Select); coding-DNA position 6796, G replaced by A.
Protein change: p.Val2266Met; replaces valine 2266 with methionine.
Molecular consequence: missense variant.
Genome position (GRCh38, 1-based): chr17:18,148,792, G>A. VCF-style: chr17-18148792-G-A. GRCh37 (hg19) VCF-style: chr17-18052106-G-A.
Other names: short protein forms V2266M.
Identifiers: ClinVar variation 178619 (VCV000178619.56), dbSNP rs114274755, ClinGen allele CA182678.

ClinVar aggregate classification (germline): Benign/Likely benign. Review status: criteria provided, multiple submitters, no conflicts (2 of 4 stars). 11 submissions from 11 submitters: Benign (6); Likely benign (5). Last evaluated 2026-09-01.

Conditions:
Autosomal recessive nonsyndromic hearing loss 3. Also called: NEUROSENSORY NONSYNDROMIC RECESSIVE DEAFNESS 3. Identifiers: Orphanet 90636, MedGen C1838263, MONDO:0010860, OMIM 600316.

Allele frequency attached by ClinVar (database versions not stated): TOPMed 0.00826; 1000 Genomes Project 0.00998; 1000 Genomes Project 30x 0.01093; gnomAD 0.00786 and 0.00791; ExAC 0.00813; gnomAD exomes 0.00367 and 0.00434; ESP Exome Variant Server 0.00693.
gnomAD v4.1: 6,672 of 1,603,676 alleles (0.42%); highest among the groups gnomAD compares: African/African-American, 1.9%; 35 homozygotes.

Submissions (11):

CeGaT Center for Human Genetics Tuebingen
Classification: Benign. Last evaluated: 2026-09-01. Review status: criteria provided, single submitter. Criteria: CeGaT Center For Human Genetics Tuebingen Variant Classification Criteria Version 2. Collection method: clinical testing. Allele origin: germline. Affected: yes. Observed: 4 variant alleles.
Comment: MYO15A: BS1, BS2

Labcorp Genetics (formerly Invitae), Labcorp
Classification: Benign. Last evaluated: 2026-01-28. Review status: criteria provided, single submitter. Criteria: Invitae Variant Classification Sherloc (09022015). Collection method: clinical testing. Allele origin: germline.

Genomic Medicine Center of Excellence, King Faisal Specialist Hospital and Research Centre
Classification: Likely benign. Last evaluated: 2025-08-18. Review status: criteria provided, single submitter. Criteria: ACMG Guidelines, 2015. Collection method: clinical testing. Allele origin: germline.

Blueprint Genetics
Classification: Likely benign. Last evaluated: 2024-11-27. Review status: criteria provided, single submitter. Criteria: ACMG Guidelines, 2015. Collection method: clinical testing. Allele origin: germline.

ARUP Laboratories, Molecular Genetics and Genomics, ARUP Laboratories
Classification: Benign for Autosomal recessive nonsyndromic hearing loss 3. Last evaluated: 2023-10-26. Review status: criteria provided, single submitter. Criteria: ARUP Molecular Germline Variant Investigation Process 2024. Collection method: clinical testing. Allele origin: germline.

Athena Diagnostics
Classification: Likely benign. Last evaluated: 2019-08-05. Review status: criteria provided, single submitter. Criteria: Athena Diagnostics Criteria. Collection method: clinical testing. Allele origin: germline.

GeneDx
Classification: Benign. Last evaluated: 2019-06-03. Review status: criteria provided, single submitter. Criteria: GeneDx Variant Classification Process June 2021. Collection method: clinical testing. Allele origin: germline. Affected: yes.
Comment: This variant is associated with the following publications: (PMID: 26399936, 27375115, 25262649, 22995991, 20981092, 17546645, 22245518, 19309289, 26186295, 30245029, 30953472)

Illumina Laboratory Services, Illumina
Classification: Likely benign for Autosomal recessive nonsyndromic hearing loss 3. Last evaluated: 2017-04-27. Review status: criteria provided, single submitter. Criteria: ICSL Variant Classification Criteria 13 December 2019. Collection method: clinical testing. Allele origin: germline.
Comment: This variant was observed as part of a predisposition screen in an ostensibly healthy population. A literature search was performed for the gene, cDNA change, and amino acid change (where applicable). No publications were found based on this search. Allele frequency data from public databases allowed determination this variant is unlikely to cause disease. Therefore, this variant is classified as likely benign.

Eurofins Ntd Llc (ga)
Classification: Benign. Last evaluated: 2015-01-27. Review status: criteria provided, single submitter. Criteria: EGL Classification Definitions 2015. Collection method: clinical testing. Allele origin: germline. Observed: 1 variant allele, 1 heterozygote.

Laboratory for Molecular Medicine, Mass General Brigham Personalized Medicine
Classification: Benign. Last evaluated: 2012-05-07. Review status: criteria provided, single submitter. Criteria: LMM Criteria. Collection method: clinical testing. Allele origin: germline. Observed: 17 variant alleles.
Comment: Val2266Met in Exon 33 of MYO15A: This variant is not expected to have clinical s ignificance because it has been identified in 1.4% (49/3462) of African American chromosomes from a broad population by the NHLBI Exome Sequencing Project (dbSNP rs114274755).

Breakthrough Genomics
Classification: Likely benign. Review status: criteria provided, single submitter. Criteria: ACMG Guidelines, 2015. Collection method: not provided. Allele origin: germline. Inheritance: Autosomal recessive inheritance. Affected: yes.

Literature cited by the submitters: PubMed 30953472 (cited by Athena Diagnostics); PubMed 27375115 (cited by Athena Diagnostics); PubMed 17546645 (cited by Athena Diagnostics).